The following is an entry in ClinVar:

NC_000011.9:g.(?_128761250)_(128791059_?)dup

Genes: KCNJ5 (potassium inwardly rectifying channel subfamily J member 5; plus strand), KCNJ5-AS1 (KCNJ5 antisense RNA 1; minus strand). Cytogenetic location: 11q24.3.
Variant type: Duplication.
Identifiers: ClinVar variation 3902263 (VCV003902263.1).

ClinVar aggregate classification (germline): Uncertain significance (1 of 4 stars; one submission).

Submission:

Women's Health and Genetics/Laboratory Corporation of America, LabCorp
Classification: Uncertain significance. Last evaluated: 2025-05-13. Review status: criteria provided, single submitter. Criteria: LabCorp Variant Classification Summary - May 2015. Collection method: clinical testing. Allele origin: germline.
Comment: Variant summary: The variant involves the duplication of exons 1-3 in the KCNJ5 gene. A presumed nomenclature of c.(?_-377)_(*4433_?)dup has been designated for the purposes of this classification. This duplication includes the entire coding sequence of the gene. As exact breakpoints are unknown, it may extend beyond the annotated region of the gene, to include other flanking genes. The variant was absent in 21694 control chromosomes (gnomAD, structural dataset). The available data on variant occurrences in the general population are insufficient to allow any conclusion about variant significance. To our knowledge, no occurrence of c.(?_-377)_(*4433_?)dup in individuals affected with Arrhythmia and no experimental evidence demonstrating its impact on protein function have been reported. ClinVar contains an entry for a similar variant (Variation ID: 1373334). Based on the evidence outlined above, the variant was classified as uncertain significance.